The following is an entry in ClinVar:

NM_001394560.1(ZMAT1):c.1875A>G (p.Thr625=)

Gene: ZMAT1 (zinc finger matrin-type 1; minus strand). Cytogenetic location: Xq22.1.
Variant type: single nucleotide variant.
Coding change: c.1875A>G on transcript NM_001394560.1 (MANE Select); coding-DNA position 1875, A replaced by G.
Protein change: p.Thr625=; no amino-acid change (threonine 625 retained).
Molecular consequence: synonymous variant.
Genome position (GRCh38, 1-based): chrX:101,883,723, T>C on the plus strand (A>G on the coding strand, the complement: ZMAT1 is on the minus strand). VCF-style: chrX-101883723-T-C. GRCh37 (hg19) VCF-style: chrX-101138695-T-C.
Other names: c.*1685A>G (NM_001011656.1); c.1704A>G, p.Thr568= (NM_001011657.4); c.1191A>G, p.Thr397= (NM_001282400.2, NM_001282401.2, NM_032441.1).
Identifiers: ClinVar variation 2661074 (VCV002661074.24), dbSNP rs1379818898, ClinGen allele CA517911824.

ClinVar aggregate classification (germline): Likely benign (1 of 4 stars; one submission).

Allele frequency attached by ClinVar (database versions not stated): gnomAD exomes below 0.00001; gnomAD 0.00001; TOPMed 0.00001.

Submission:

CeGaT Center for Human Genetics Tuebingen
Classification: Likely benign. Last evaluated: 2022-11-01. Review status: criteria provided, single submitter. Criteria: CeGaT Center For Human Genetics Tuebingen Variant Classification Criteria Version 2. Collection method: clinical testing. Allele origin: germline. Affected: yes. Observed: 1 variant allele.
Comment: ZMAT1: BP4, BP7